The following is an entry in ClinVar:

NM_001378687.1(ATP2C1):c.1190A>G (p.Tyr397Cys)

Gene: ATP2C1 (ATPase secretory pathway Ca2+ transporting 1; plus strand). Cytogenetic location: 3q22.1.
Variant type: single nucleotide variant.
Coding change: c.1190A>G on transcript NM_001378687.1 (MANE Select); coding-DNA position 1190, A replaced by G.
Protein change: p.Tyr397Cys; replaces tyrosine 397 with cysteine.
Molecular consequence: missense variant.
Genome position (GRCh38, 1-based): chr3:130,967,212, A>G. VCF-style: chr3-130967212-A-G. GRCh37 (hg19) VCF-style: chr3-130686056-A-G.
Other names: c.1190A>G, p.Tyr397Cys (NM_001001485.3, NM_001001486.2, NM_001001487.2 and 5 more transcripts); c.1292A>G, p.Tyr431Cys (NM_001199180.2, NM_001199181.3, NM_001378511.1); c.1175A>G, p.Tyr392Cys (NM_001199182.2); c.1142A>G, p.Tyr381Cys (NM_001199183.2, NM_001199184.3, NM_001378514.1); short protein forms Y397C, Y431C, Y381C, Y392C.
Identifiers: ClinVar variation 2460984 (VCV002460984.5), dbSNP rs369250519, ClinGen allele CA2615048.
Genomic context (GRCh38, chr3:130,967,212, plus strand): 5'-GAGTTGGCTATAATCAATTTGGGGAAGTGATTGTTGATGGTGATGTTGTTCATGGATTCT[A>G]TAACCCAGCTGTTAGCAGAATTGTTGAGGTAAATATTTTTTTTTCCAAGATGGTGACTTT-3'
Protein context (NP_001365616.1, residues 387-407): IVDGDVVHGF[Tyr397Cys]NPAVSRIVEA

ClinVar aggregate classification (germline): Uncertain significance. Review status: criteria provided, multiple submitters, no conflicts (2 of 4 stars). 2 submissions from 2 submitters: Uncertain significance (2). Last evaluated 2023-03-12.

Conditions:
Inborn genetic diseases. Identifiers: MedGen C0950123, MeSH D030342.

Allele frequency attached by ClinVar (database versions not stated): gnomAD 0.00003; gnomAD exomes 0.00005; ExAC 0.00006; TOPMed 0.00006; ESP Exome Variant Server 0.00008.
gnomAD v4.1: 83 of 1,613,732 alleles (0.0051%); highest among the groups gnomAD compares: South Asian, 0.021%; no homozygotes.

Submissions (2):

Labcorp Genetics (formerly Invitae), Labcorp
Classification: Uncertain significance. Last evaluated: 2023-03-12. Review status: criteria provided, single submitter. Criteria: Invitae Variant Classification Sherloc (09022015). Collection method: clinical testing. Allele origin: germline.
Comment: In summary, the available evidence is currently insufficient to determine the role of this variant in disease. Therefore, it has been classified as a Variant of Uncertain Significance. Advanced modeling of protein sequence and biophysical properties (such as structural, functional, and spatial information, amino acid conservation, physicochemical variation, residue mobility, and thermodynamic stability) performed at Invitae indicates that this missense variant is not expected to disrupt ATP2C1 protein function. This variant has not been reported in the literature in individuals affected with ATP2C1-related conditions. This variant is present in population databases (rs369250519, gnomAD 0.02%). This sequence change replaces tyrosine, which is neutral and polar, with cysteine, which is neutral and slightly polar, at codon 397 of the ATP2C1 protein (p.Tyr397Cys).

Ambry Genetics
Classification: Uncertain significance for Inborn genetic diseases. Last evaluated: 2023-02-14. Review status: criteria provided, single submitter. Criteria: Ambry Variant Classification Scheme 2023. Collection method: clinical testing. Allele origin: germline.